The following is an entry in ClinVar:

NM_001843.4(CNTN1):c.1731T>G (p.His577Gln)

Gene: CNTN1 (contactin 1; plus strand). Cytogenetic location: 12q12.
Variant type: single nucleotide variant.
Coding change: c.1731T>G on transcript NM_001843.4 (MANE Select); coding-DNA position 1731, T replaced by G.
Protein change: p.His577Gln; replaces histidine 577 with glutamine.
Molecular consequence: missense variant.
Genome position (GRCh38, 1-based): chr12:40,959,161, T>G. VCF-style: chr12-40959161-T-G. GRCh37 (hg19) VCF-style: chr12-41352963-T-G.
Other names: c.1731T>G, p.His577Gln (NM_001256063.2, NM_001256064.2); c.1698T>G, p.His566Gln (NM_175038.2); short protein forms H566Q, H577Q.
Identifiers: ClinVar variation 960943 (VCV000960943.10), dbSNP rs770173257, ClinGen allele CA6516923.

ClinVar aggregate classification (germline): Uncertain significance (1 of 4 stars; one submission).

Conditions:
Compton-North congenital myopathy (CMYO12). Identifiers: Orphanet 210163, MedGen C2675527, MONDO:0012929, OMIM 612540.

Allele frequency attached by ClinVar (database versions not stated): gnomAD exomes below 0.00001; ExAC 0.00001.
gnomAD v4.1: 1 of 1,612,792 alleles (0.000062%); highest among the groups gnomAD compares: Non-Finnish European, 0.000085%; no homozygotes.

Submission:

Labcorp Genetics (formerly Invitae), Labcorp
Classification: Uncertain significance for Compton-North congenital myopathy. Last evaluated: 2024-01-17. Review status: criteria provided, single submitter. Criteria: Invitae Variant Classification Sherloc (09022015). Collection method: clinical testing. Allele origin: germline.
Comment: This sequence change replaces histidine, which is basic and polar, with glutamine, which is neutral and polar, at codon 577 of the CNTN1 protein (p.His577Gln). This variant is present in population databases (rs770173257, gnomAD 0.002%). This variant has not been reported in the literature in individuals affected with CNTN1-related conditions. ClinVar contains an entry for this variant (Variation ID: 960943). Advanced modeling of protein sequence and biophysical properties (such as structural, functional, and spatial information, amino acid conservation, physicochemical variation, residue mobility, and thermodynamic stability) performed at Invitae indicates that this missense variant is not expected to disrupt CNTN1 protein function with a negative predictive value of 95%. In summary, the available evidence is currently insufficient to determine the role of this variant in disease. Therefore, it has been classified as a Variant of Uncertain Significance.